The following is an entry in ClinVar:

NM_001605.3(AARS1):c.2628G>C (p.Lys876Asn)

Gene: AARS1 (alanyl-tRNA synthetase 1; minus strand). Cytogenetic location: 16q22.1.
Variant type: single nucleotide variant.
Coding change: c.2628G>C on transcript NM_001605.3 (MANE Select); coding-DNA position 2628, G replaced by C.
Protein change: p.Lys876Asn; replaces lysine 876 with asparagine.
Molecular consequence: missense variant.
Genome position (GRCh38, 1-based): chr16:70,253,361, C>G on the plus strand (G>C on the coding strand, the complement: AARS1 is on the minus strand). VCF-style: chr16-70253361-C-G. GRCh37 (hg19) VCF-style: chr16-70287264-C-G.
Other names: short protein forms K876N.
Identifiers: ClinVar variation 216548 (VCV000216548.8), dbSNP rs758488318, ClinGen allele CA338573.
Genomic context (GRCh38, chr16:70,253,361, plus strand): 5'-AGCCTCATTGTCCACCGTGAAGAGCATGGCAGAAGTCTGAGGGGAGTGCATCTTGAAGAG[C>G]TTCAAGGCTTCATTCAGGGCCTGTGGGGAGGACCTGGCTCAGGCCACGGTGCTGGAGCAG-3'
Protein context (NP_001596.2, residues 866-886): ASAKALNEAL[Lys876Asn]LFKMHSPQTS

ClinVar aggregate classification (germline): Uncertain significance (1 of 4 stars; one submission).

Conditions:
Charcot-Marie-Tooth disease type 2. Also called: Charcot-Marie-Tooth type 2. Identifiers: Orphanet 64746, MedGen C0270914, MONDO:0018993.

Allele frequency attached by ClinVar (database versions not stated): ExAC 0.00001; gnomAD 0.00001; gnomAD exomes 0.00002 and 0.00001.
gnomAD v4.1: 32 of 1,613,940 alleles (0.002%); highest among the groups gnomAD compares: Non-Finnish European, 0.0027%; no homozygotes.

Submission:

Labcorp Genetics (formerly Invitae), Labcorp
Classification: Uncertain significance for Charcot-Marie-Tooth disease type 2. Last evaluated: 2024-02-23. Review status: criteria provided, single submitter. Criteria: Invitae Variant Classification Sherloc (09022015). Collection method: clinical testing. Allele origin: germline.
Comment: This sequence change replaces lysine, which is basic and polar, with asparagine, which is neutral and polar, at codon 876 of the AARS protein (p.Lys876Asn). This variant is present in population databases (rs758488318, gnomAD 0.002%). This variant has not been reported in the literature in individuals affected with AARS-related conditions. ClinVar contains an entry for this variant (Variation ID: 216548). Advanced modeling of protein sequence and biophysical properties (such as structural, functional, and spatial information, amino acid conservation, physicochemical variation, residue mobility, and thermodynamic stability) performed at Invitae indicates that this missense variant is not expected to disrupt AARS protein function with a negative predictive value of 95%. In summary, the available evidence is currently insufficient to determine the role of this variant in disease. Therefore, it has been classified as a Variant of Uncertain Significance.